The following is an entry in ClinVar:

ClinVar aggregate classification (germline): Conflicting classifications of pathogenicity. Review status: criteria provided, conflicting classifications (1 of 4 stars). 5 submissions from 5 submitters: Uncertain significance (3); Likely benign (1). 1 of the submissions does not count toward it. Last evaluated 2026-08-01.

Conditions:
Alveolar rhabdomyosarcoma (RMS2). Also called: Alveolar rhabdomyosarcoma (disease); RHABDOMYOSARCOMA 2. Identifiers: Orphanet 780, Orphanet 99756, MedGen C0206655, MONDO:0009994, OMIM 268220, HP:0006779.
Myopathy, congenital, progressive, with scoliosis. Also called: CONGENITAL MYOPATHY 19. Identifiers: MedGen C5231417, MONDO:0032821, OMIM 618578.
PAX7-related disorder. Also called: PAX7-related condition.

Allele frequency attached by ClinVar (database versions not stated): 1000 Genomes Project 0.00100; 1000 Genomes Project 30x 0.00109; gnomAD exomes 0.00120; ExAC 0.00123; gnomAD 0.00151 and 0.00157; TOPMed 0.00156; ESP Exome Variant Server 0.00185.
gnomAD v4.1: 3,928 of 1,613,582 alleles (0.24%); highest among the groups gnomAD compares: Non-Finnish European, 0.31%; 7 homozygotes.

Submissions (5):

CeGaT Center for Human Genetics Tuebingen
Classification: Likely benign. Last evaluated: 2026-08-01. Review status: criteria provided, single submitter. Criteria: CeGaT Center For Human Genetics Tuebingen Variant Classification Criteria Version 2. Collection method: clinical testing. Allele origin: germline. Affected: yes. Observed: 1 variant allele.
Comment: PAX7: PP3, BS2

Department of Pathology and Laboratory Medicine, Sinai Health System
Classification: Uncertain significance for Alveolar rhabdomyosarcoma; Myopathy, congenital, progressive, with scoliosis. Last evaluated: 2023-05-09. Review status: criteria provided, single submitter. Criteria: ACMG Guidelines, 2015. Collection method: research. Allele origin: germline.

Centre of Medical Genetics, University Hospital Muenster
Classification: Uncertain significance. Last evaluated: 2021-12-13. Review status: criteria provided, single submitter. Criteria: ACMG Guidelines, 2015. Collection method: clinical testing. Allele origin: unknown. Affected: yes. Observed: 1 variant allele, 1 heterozygote.
Comment: ACMG categories: PM1,PM2,PP3

Baylor Genetics
Classification: Uncertain significance for Alveolar rhabdomyosarcoma. Last evaluated: 2018-12-17. Review status: criteria provided, single submitter. Criteria: ACMG Guidelines, 2015. Collection method: clinical testing. Allele origin: unknown. Affected: yes. Study: CSER-TexasKidsCanSeq.
Comment: This variant was determined to be of uncertain significance according to ACMG Guidelines, 2015 [PMID:25741868].

PreventionGenetics, part of Exact Sciences
Classification: Likely benign for PAX7-related condition. Last evaluated: 2022-02-28. Review status: no assertion criteria provided. Collection method: clinical testing. Allele origin: germline. Not counted in ClinVar's aggregate classification.
Comment: This variant is classified as likely benign based on ACMG/AMP sequence variant interpretation guidelines (Richards et al. 2015 PMID: 25741868, with internal and published modifications).

NM_001135254.2(PAX7):c.335C>T (p.Pro112Leu)

Gene: PAX7 (paired box 7; plus strand). Cytogenetic location: 1p36.13.
Variant type: single nucleotide variant.
Coding change: c.335C>T on transcript NM_001135254.2 (MANE Select); coding-DNA position 335, C replaced by T.
Protein change: p.Pro112Leu; replaces proline 112 with leucine.
Molecular consequence: missense variant.
Genome position (GRCh38, 1-based): chr1:18,635,124, C>T. VCF-style: chr1-18635124-C-T. GRCh37 (hg19) VCF-style: chr1-18961618-C-T.
Other names: c.335C>T, p.Pro112Leu (NM_002584.3, NM_013945.3); c.335C>T (NM_002584.2); short protein forms P112L.
Identifiers: ClinVar variation 998310 (VCV000998310.10), dbSNP rs142754204, ClinGen allele CA645639.
Genomic context (GRCh38, chr1:18,635,124, plus strand): 5'-CCCCATCCCATCTTTCCACTCCTACTCTCCCACCTCCACCTCTGAAGCAGGTGGCGACTC[C>T]GGATGTAGAGAAAAAGATTGAGGAGTACAAGAGGGAAAACCCAGGCATGTTCAGCTGGGA-3'
Protein context (NP_001128726.1, residues 102-122): GGSKPRQVAT[Pro112Leu]DVEKKIEEYK